The following is an entry in ClinVar:

NM_004655.4(AXIN2):c.1247G>A (p.Gly416Glu)

Gene: AXIN2 (axin 2; minus strand). Cytogenetic location: 17q24.1.
Variant type: single nucleotide variant.
Coding change: c.1247G>A on transcript NM_004655.4 (MANE Select); coding-DNA position 1247, G replaced by A.
Protein change: p.Gly416Glu; replaces glycine 416 with glutamic acid.
Molecular consequence: missense variant.
Genome position (GRCh38, 1-based): chr17:65,537,789, C>T on the plus strand (G>A on the coding strand, the complement: AXIN2 is on the minus strand). VCF-style: chr17-65537789-C-T. GRCh37 (hg19) VCF-style: chr17-63533907-C-T.
Other names: c.1247G>A, p.Gly416Glu (NM_001363813.1); short protein forms G416E.
Identifiers: ClinVar variation 943546 (VCV000943546.14), dbSNP rs1170381329, ClinGen allele CA400677882.

ClinVar aggregate classification (germline): Uncertain significance. Review status: criteria provided, multiple submitters, no conflicts (2 of 4 stars). 3 submissions from 3 submitters: Uncertain significance (3). Last evaluated 2025-12-02.

Conditions:
Hereditary cancer-predisposing syndrome. Also called: Neoplastic Syndromes, Hereditary; Hereditary Cancer Syndrome; Tumor predisposition; Hereditary neoplastic syndrome. Identifiers: Orphanet 140162, MedGen C0027672, MeSH D009386, MONDO:0015356.
Oligodontia-cancer predisposition syndrome. Also called: TOOTH AGENESIS-COLORECTAL CANCER SYNDROME. Identifiers: Orphanet 300576, MedGen C1837750, MONDO:0012075, OMIM 608615. Disease mechanism: loss of function.

Allele frequency attached by ClinVar (database versions not stated): gnomAD 0.00001; TOPMed 0.00001.

Submissions (3):

Labcorp Genetics (formerly Invitae), Labcorp
Classification: Uncertain significance for Oligodontia-cancer predisposition syndrome. Last evaluated: 2025-12-02. Review status: criteria provided, single submitter. Criteria: Invitae Variant Classification Sherloc (09022015). Collection method: clinical testing. Allele origin: germline.
Comment: This sequence change replaces glycine, which is neutral and non-polar, with glutamic acid, which is acidic and polar, at codon 416 of the AXIN2 protein (p.Gly416Glu). This variant is present in population databases (no rsID available, gnomAD 0.01%). This variant has not been reported in the literature in individuals affected with AXIN2-related conditions. ClinVar contains an entry for this variant (Variation ID: 943546). Invitae Evidence Modeling of protein sequence and biophysical properties (such as structural, functional, and spatial information, amino acid conservation, physicochemical variation, residue mobility, and thermodynamic stability) indicates that this missense variant is not expected to disrupt AXIN2 protein function with a negative predictive value of 80%. In summary, the available evidence is currently insufficient to determine the role of this variant in disease. Therefore, it has been classified as a Variant of Uncertain Significance.

GeneDx
Classification: Uncertain significance. Last evaluated: 2024-05-07. Review status: criteria provided, single submitter. Criteria: GeneDx Variant Classification Process June 2021. Collection method: clinical testing. Allele origin: germline. Affected: yes.
Comment: Not observed at significant frequency in large population cohorts (gnomAD); In silico analysis indicates that this missense variant does not alter protein structure/function; Has not been previously published as pathogenic or benign to our knowledge; This variant is associated with the following publications: (PMID: 15735151)

Ambry Genetics
Classification: Uncertain significance for Hereditary cancer-predisposing syndrome. Last evaluated: 2024-03-30. Review status: criteria provided, single submitter. Criteria: Ambry Variant Classification Scheme 2023. Collection method: clinical testing. Allele origin: germline.
Comment: The p.G416E variant (also known as c.1247G>A), located in coding exon 5 of the AXIN2 gene, results from a G to A substitution at nucleotide position 1247. The glycine at codon 416 is replaced by glutamic acid, an amino acid with similar properties. This amino acid position is not well conserved in available vertebrate species. In addition, this alteration is predicted to be tolerated by in silico analysis. Since supporting evidence is limited at this time, the clinical significance of this alteration remains unclear.